The following is an entry in ClinVar:

ClinVar aggregate classification (germline): Uncertain significance (1 of 4 stars; one submission).

Allele frequency attached by ClinVar (database versions not stated): TOPMed below 0.00001; gnomAD exomes 0.00002.
gnomAD v4.1: 32 of 1,613,870 alleles (0.002%); highest among the groups gnomAD compares: Non-Finnish European, 0.0026%; no homozygotes.

Submission:

GeneDx
Classification: Uncertain significance. Last evaluated: 2023-07-24. Review status: criteria provided, single submitter. Criteria: GeneDx Variant Classification Process June 2021. Collection method: clinical testing. Allele origin: germline. Affected: yes.
Comment: Not observed at significant frequency in large population cohorts (gnomAD); In silico analysis supports that this missense variant has a deleterious effect on protein structure/function; Has not been previously published as pathogenic or benign to our knowledge

NM_001291303.3(FAT4):c.659T>C (p.Val220Ala)

Gene: FAT4 (FAT atypical cadherin 4; plus strand). Cytogenetic location: 4q28.1.
Variant type: single nucleotide variant.
Coding change: c.659T>C on transcript NM_001291303.3 (MANE Select); coding-DNA position 659, T replaced by C.
Protein change: p.Val220Ala; replaces valine 220 with alanine.
Molecular consequence: missense variant.
Genome position (GRCh38, 1-based): chr4:125,317,070, T>C. VCF-style: chr4-125317070-T-C. GRCh37 (hg19) VCF-style: chr4-126238225-T-C.
Other names: c.659T>C, p.Val220Ala (NM_001291285.3, NM_024582.6); short protein forms V220A.
Identifiers: ClinVar variation 2574332 (VCV002574332.1), dbSNP rs1478503201, ClinGen allele CA358116262.